The following is an entry in ClinVar:

ClinVar aggregate classification (germline): Uncertain significance (0 of 4 stars; one submission).

Conditions:
NCOA1-related disorder. Also called: NCOA1-related condition.

Submission:

PreventionGenetics, part of Exact Sciences
Classification: Uncertain significance for NCOA1-related condition. Last evaluated: 2024-08-20. Review status: no assertion criteria provided. Collection method: clinical testing. Allele origin: germline.
Comment: The NCOA1 c.3483G>T variant is predicted to result in the amino acid substitution p.Gln1161His. To our knowledge, this variant has not been reported in the literature or in a large population database, indicating this variant is rare. At this time, the clinical significance of this variant is uncertain due to the absence of conclusive functional and genetic evidence.

NM_003743.5(NCOA1):c.3483G>T (p.Gln1161His)

Gene: NCOA1 (nuclear receptor coactivator 1; plus strand). Cytogenetic location: 2p23.3.
Variant type: single nucleotide variant.
Coding change: c.3483G>T on transcript NM_003743.5 (MANE Select); coding-DNA position 3483, G replaced by T.
Protein change: p.Gln1161His; replaces glutamine 1161 with histidine.
Molecular consequence: missense variant.
Genome position (GRCh38, 1-based): chr2:24,741,963, G>T. VCF-style: chr2-24741963-G-T. GRCh37 (hg19) VCF-style: chr2-24964832-G-T.
Other names: c.3483G>T, p.Gln1161His (NM_001362950.1, NM_001362952.1, NM_001362954.1 and 3 more transcripts); short protein forms Q1161H.
Identifiers: ClinVar variation 3345445 (VCV003345445.1).